The following is an entry in ClinVar:

ClinVar aggregate classification (germline): Uncertain significance. Review status: criteria provided, multiple submitters, no conflicts (2 of 4 stars). 5 submissions from 5 submitters: Uncertain significance (5). Last evaluated 2025-06-02.

Conditions:
FLVCR1-related disorder. Also called: FLVCR1-related condition.
Inborn genetic diseases. Identifiers: MedGen C0950123, MeSH D030342.

Allele frequency attached by ClinVar (database versions not stated): gnomAD exomes 0.00001 and 0.00002; ExAC 0.00002; gnomAD 0.00010; TOPMed 0.00010.
gnomAD v4.1: 30 of 1,612,542 alleles (0.0019%); highest among the groups gnomAD compares: African/African-American, 0.027%; no homozygotes.

Submissions (5):

PreventionGenetics, part of Exact Sciences
Classification: Uncertain significance for FLVCR1-related condition. Last evaluated: 2025-06-02. Review status: criteria provided, single submitter. Criteria: ACMG Guidelines, 2015. Collection method: clinical testing. Allele origin: germline.
Comment: The FLVCR1 c.554G>C variant is predicted to result in the amino acid substitution p.Cys185Ser. To our knowledge, this variant has not been reported in the literature. This variant is reported in 0.036% of alleles in individuals of African descent in gnomAD. At this time, the clinical significance of this variant is uncertain due to the absence of conclusive functional and genetic evidence.

Ambry Genetics
Classification: Uncertain significance for Inborn genetic diseases. Last evaluated: 2025-05-20. Review status: criteria provided, single submitter. Criteria: Ambry Variant Classification Scheme 2023. Collection method: clinical testing. Allele origin: germline.

Blueprint Genetics
Classification: Uncertain significance. Last evaluated: 2023-11-27. Review status: criteria provided, single submitter. Criteria: ACMG Guidelines, 2015. Collection method: clinical testing. Allele origin: germline.

Labcorp Genetics (formerly Invitae), Labcorp
Classification: Uncertain significance. Last evaluated: 2022-10-25. Review status: criteria provided, single submitter. Criteria: Invitae Variant Classification Sherloc (09022015). Collection method: clinical testing. Allele origin: germline.
Comment: This sequence change replaces cysteine, which is neutral and slightly polar, with serine, which is neutral and polar, at codon 185 of the FLVCR1 protein (p.Cys185Ser). This variant is present in population databases (rs747064078, gnomAD 0.04%). This variant has not been reported in the literature in individuals affected with FLVCR1-related conditions. ClinVar contains an entry for this variant (Variation ID: 867215). Advanced modeling of protein sequence and biophysical properties (such as structural, functional, and spatial information, amino acid conservation, physicochemical variation, residue mobility, and thermodynamic stability) performed at Invitae indicates that this missense variant is not expected to disrupt FLVCR1 protein function. In summary, the available evidence is currently insufficient to determine the role of this variant in disease. Therefore, it has been classified as a Variant of Uncertain Significance.

Athena Diagnostics
Classification: Uncertain significance. Last evaluated: 2021-05-07. Review status: criteria provided, single submitter. Criteria: Athena Diagnostics criteria. Collection method: clinical testing. Allele origin: unknown.

NM_014053.4(FLVCR1):c.554G>C (p.Cys185Ser)

Gene: FLVCR1 (FLVCR choline and heme transporter 1; plus strand). Cytogenetic location: 1q32.3.
Variant type: single nucleotide variant.
Coding change: c.554G>C on transcript NM_014053.4 (MANE Select); coding-DNA position 554, G replaced by C.
Protein change: p.Cys185Ser; replaces cysteine 185 with serine.
Molecular consequence: missense variant.
Genome position (GRCh38, 1-based): chr1:212,859,006, G>C. VCF-style: chr1-212859006-G-C. GRCh37 (hg19) VCF-style: chr1-213032348-G-C.
Other names: short protein forms C185S.
Identifiers: ClinVar variation 867215 (VCV000867215.13), dbSNP rs747064078, ClinGen allele CA1385911.